The following is an entry in ClinVar:

ClinVar aggregate classification (germline): Uncertain significance. Review status: criteria provided, multiple submitters, no conflicts (2 of 4 stars). 2 submissions from 2 submitters: Uncertain significance (2). Last evaluated 2025-10-26.

Conditions:
Hereditary cancer-predisposing syndrome. Also called: Hereditary Cancer Syndrome; Neoplastic Syndromes, Hereditary; Tumor predisposition; Hereditary neoplastic syndrome. Identifiers: Orphanet 140162, MedGen C0027672, MeSH D009386, MONDO:0015356.
Rhabdoid tumor predisposition syndrome 2 (RTPS2). Identifiers: Orphanet 231108, Orphanet 69077, MedGen C2750074, MONDO:0013224, OMIM 613325.

Submissions (2):

Ambry Genetics
Classification: Uncertain significance for Hereditary cancer-predisposing syndrome. Last evaluated: 2025-10-26. Review status: criteria provided, single submitter. Criteria: Ambry Variant Classification Scheme 2023. Collection method: clinical testing. Allele origin: germline.
Comment: The p.G394R variant (also known as c.1180G>A), located in coding exon 6 of the SMARCA4 gene, results from a G to A substitution at nucleotide position 1180. The glycine at codon 394 is replaced by arginine, an amino acid with dissimilar properties. This amino acid position is highly conserved in available vertebrate species. In addition, this alteration is predicted to be deleterious by in silico analysis. Missense and in-frame variants in SMARCA4 are known to cause neurodevelopmental disorders; however, such associations with rhabdoid tumor predisposition syndrome including small cell carcinoma of the ovary-hypercalcemic type (SCCOHT) are exceedingly rare (Kosho T et al. Am J Med Genet C Semin Med Genet. 2014 Sep;166C(3):262-75; Jelinic P et al. Nat Genet. 2014 May;46(5):424-6). Since supporting evidence is limited at this time, the clinical significance of this alteration remains unclear.

Labcorp Genetics (formerly Invitae), Labcorp
Classification: Uncertain significance for Rhabdoid tumor predisposition syndrome 2. Last evaluated: 2025-03-26. Review status: criteria provided, single submitter. Criteria: Invitae Variant Classification Sherloc (09022015). Collection method: clinical testing. Allele origin: germline.
Comment: This sequence change replaces glycine, which is neutral and non-polar, with arginine, which is basic and polar, at codon 394 of the SMARCA4 protein (p.Gly394Arg). This variant is not present in population databases (gnomAD no frequency). This variant has not been reported in the literature in individuals affected with SMARCA4-related conditions. ClinVar contains an entry for this variant (Variation ID: 480630). Invitae Evidence Modeling of protein sequence and biophysical properties (such as structural, functional, and spatial information, amino acid conservation, physicochemical variation, residue mobility, and thermodynamic stability) indicates that this missense variant is not expected to disrupt SMARCA4 protein function with a negative predictive value of 80%. In summary, the available evidence is currently insufficient to determine the role of this variant in disease. Therefore, it has been classified as a Variant of Uncertain Significance.

NM_003072.5(SMARCA4):c.1180G>A (p.Gly394Arg)

Gene: SMARCA4 (SWI/SNF related BAF chromatin remodeling complex subunit ATPase 4; plus strand). Cytogenetic location: 19p13.2.
Variant type: single nucleotide variant.
Coding change: c.1180G>A on transcript NM_003072.5 (MANE Select); coding-DNA position 1180, G replaced by A.
Protein change: p.Gly394Arg; replaces glycine 394 with arginine.
Molecular consequence: missense variant. On other transcripts: non-coding transcript variant (1).
Genome position (GRCh38, 1-based): chr19:10,989,378, G>A. VCF-style: chr19-10989378-G-A. GRCh37 (hg19) VCF-style: chr19-11100054-G-A.
Other names: c.1180G>A, p.Gly394Arg (NM_001128844.3, NM_001128845.2, NM_001128846.2 and 5 more transcripts); short protein forms G394R.
Identifiers: ClinVar variation 480630 (VCV000480630.10), dbSNP rs1046318786, ClinGen allele CA305288271.
Genomic context (GRCh38, chr19:10,989,378, plus strand): 5'-CTGCAGGCTCGCATCGCACACCGAATTCAGGAACTTGAAAACCTTCCCGGGTCCCTGGCC[G>A]GGGATTTGCGAACCAAAGCGACCATTGAGCTCAAGGCCCTCAGGCTGCTGAACTTCCAGA-3'
Protein context (NP_003063.2, residues 384-404): ELENLPGSLA[Gly394Arg]DLRTKATIEL